The following is an entry in ClinVar:

ClinVar aggregate classification (germline): Uncertain significance. Review status: criteria provided, multiple submitters, no conflicts (2 of 4 stars). 2 submissions from 2 submitters: Uncertain significance (2). Last evaluated 2024-02-12.

Allele frequency attached by ClinVar (database versions not stated): TOPMed below 0.00001; gnomAD 0.00001; gnomAD exomes 0.00001; ExAC 0.00002.
gnomAD v4.1: 19 of 1,613,180 alleles (0.0012%); highest among the groups gnomAD compares: Non-Finnish European, 0.0015%; no homozygotes.

Submissions (2):

Ambry Genetics
Classification: Uncertain significance. Last evaluated: 2024-02-12. Review status: criteria provided, single submitter. Criteria: Ambry Variant Classification Scheme 2023. Collection method: clinical testing. Allele origin: germline.

Labcorp Genetics (formerly Invitae), Labcorp
Classification: Uncertain significance. Last evaluated: 2022-10-25. Review status: criteria provided, single submitter. Criteria: Invitae Variant Classification Sherloc (09022015). Collection method: clinical testing. Allele origin: germline.
Comment: This sequence change replaces glutamic acid, which is acidic and polar, with lysine, which is basic and polar, at codon 155 of the DHX32 protein (p.Glu155Lys). This variant is present in population databases (rs763236380, gnomAD 0.002%). This variant has not been reported in the literature in individuals affected with DHX32-related conditions. Algorithms developed to predict the effect of missense changes on protein structure and function are either unavailable or do not agree on the potential impact of this missense change (SIFT: "Tolerated"; PolyPhen-2: "Possibly Damaging"; Align-GVGD: "Class C0"). In summary, the available evidence is currently insufficient to determine the role of this variant in disease. Therefore, it has been classified as a Variant of Uncertain Significance.

NM_018180.3(DHX32):c.463G>A (p.Glu155Lys)

Gene: DHX32 (DEAH-box helicase 32 (putative); minus strand). Cytogenetic location: 10q26.2.
Variant type: single nucleotide variant.
Coding change: c.463G>A on transcript NM_018180.3 (MANE Select); coding-DNA position 463, G replaced by A.
Protein change: p.Glu155Lys; replaces glutamic acid 155 with lysine.
Molecular consequence: missense variant.
Genome position (GRCh38, 1-based): chr10:125,867,003, C>T on the plus strand (G>A on the coding strand, the complement: DHX32 is on the minus strand). VCF-style: chr10-125867003-C-T. GRCh37 (hg19) VCF-style: chr10-127555572-C-T.
Other names: c.463G>A (NM_018180.2); short protein forms E155K.
Identifiers: ClinVar variation 1942756 (VCV001942756.6), dbSNP rs763236380, ClinGen allele CA5739454.